The following is an entry in ClinVar:

NM_001039591.3(USP9X):c.5140T>A (p.Leu1714Ile)

Gene: USP9X (ubiquitin specific peptidase 9 X-linked; plus strand). Cytogenetic location: Xp11.4.
Variant type: single nucleotide variant.
Coding change: c.5140T>A on transcript NM_001039591.3 (MANE Select); coding-DNA position 5140, T replaced by A.
Protein change: p.Leu1714Ile; replaces leucine 1714 with isoleucine.
Molecular consequence: missense variant.
Genome position (GRCh38, 1-based): chrX:41,210,633, T>A. VCF-style: chrX-41210633-T-A. GRCh37 (hg19) VCF-style: chrX-41069886-T-A.
Other names: NM_001039590.3:c.5140T>A; c.5140T>A, p.Leu1714Ile (NM_001039590.3); c.5155T>A, p.Leu1719Ile (NM_001410748.1, NM_001410749.1, NM_001437534.1); short protein forms L1714I, L1719I.
Identifiers: ClinVar variation 4819468 (VCV004819468.1).

ClinVar aggregate classification (germline): Uncertain significance (1 of 4 stars; one submission).

Conditions:
Intellectual developmental disorder, X-linked 99, syndromic, female-restricted. Also called: Intellectual disability, X-linked 99, syndromic, female-restricted. Identifiers: MedGen C4225416, MONDO:0010502, OMIM 300968.

Submission:

Broad Center for Mendelian Genomics, Broad Institute of MIT and Harvard
Classification: Uncertain significance for Intellectual developmental disorder, X-linked 99, syndromic, female-restricted. Last evaluated: 2026-03-02. Review status: criteria provided, single submitter. Criteria: ACMG Guidelines, 2015. Collection method: research. Allele origin: germline. Inheritance: Autosomal dominant inheritance.
Comment: Trio exome analysis showed this variant to be de novo. The p.Leu1714Ile variant in USP9X has not been previously reported in the literature in individuals with neurodevelopmental disorders and was absent from large population studies. Computational prediction tools and conservation analyses do not provide strong support for or against an impact to the protein. The number of missense variants reported in USP9X in the general population is lower than expected, suggesting there is little benign variation in this gene and slightly increasing the possibility that a missense variant in this gene may not be tolerated. In summary, while there is some suspicion for a pathogenic role, the clinical significance of this variant is uncertain. ACMG/AMP Criteria applied: PP2, PM2_supporting, PS2_supporting (Richards 2015).